The following is an entry in ClinVar:

ClinVar aggregate classification (germline): Uncertain significance. Review status: criteria provided, multiple submitters, no conflicts (2 of 4 stars). 4 submissions from 4 submitters: Uncertain significance (4). Last evaluated 2024-11-13.

Conditions:
Hereditary cancer-predisposing syndrome. Also called: Hereditary Cancer Syndrome; Tumor predisposition; Hereditary neoplastic syndrome; Neoplastic Syndromes, Hereditary. Identifiers: Orphanet 140162, MedGen C0027672, MeSH D009386, MONDO:0015356.
Fanconi anemia (FA). Also called: Fanconi's anemia. Identifiers: Orphanet 84, MedGen C0015625, MeSH D005199, MONDO:0019391.

Allele frequency attached by ClinVar (database versions not stated): gnomAD exomes below 0.00001 and 0.00001; ExAC 0.00001; gnomAD 0.00001; TOPMed 0.00001.
gnomAD v4.1: 4 of 1,613,020 alleles (0.00025%); highest among the groups gnomAD compares: Non-Finnish European, 0.00034%; no homozygotes.

Submissions (4):

Labcorp Genetics (formerly Invitae), Labcorp
Classification: Uncertain significance for Fanconi anemia. Last evaluated: 2024-11-13. Review status: criteria provided, single submitter. Criteria: Invitae Variant Classification Sherloc (09022015). Collection method: clinical testing. Allele origin: germline.
Comment: This sequence change replaces arginine, which is basic and polar, with serine, which is neutral and polar, at codon 299 of the FANCC protein (p.Arg299Ser). This variant is present in population databases (rs759083348, gnomAD 0.0009%). This variant has not been reported in the literature in individuals affected with FANCC-related conditions. ClinVar contains an entry for this variant (Variation ID: 644730). An algorithm developed to predict the effect of missense changes on protein structure and function (PolyPhen-2) suggests that this variant is likely to be disruptive. Algorithms developed to predict the effect of sequence changes on RNA splicing suggest that this variant may disrupt the consensus splice site. In summary, the available evidence is currently insufficient to determine the role of this variant in disease. Therefore, it has been classified as a Variant of Uncertain Significance.

Quest Diagnostics Nichols Institute San Juan Capistrano
Classification: Uncertain significance. Last evaluated: 2024-04-10. Review status: criteria provided, single submitter. Criteria: Quest Diagnostics criteria. Collection method: clinical testing. Allele origin: unknown.
Comment: The FANCC c.897G>T (p.Arg299Ser) variant has been reported in the published literature in an individual with ovarian cancer (PMID: 36969007 (2023)). The frequency of this variant in the general population, 0.000004 (1/251472 chromosomes (Genome Aggregation Database)), is uninformative in the assessment of its pathogenicity. Analysis of this variant using software algorithms for the prediction of the effect of nucleotide changes on splicing yielded predictions that this variant may affect proper FANCC mRNA splicing. Based on the available information, we are unable to determine the clinical significance of this variant.

Ambry Genetics
Classification: Uncertain significance for Hereditary cancer-predisposing syndrome. Last evaluated: 2024-02-19. Review status: criteria provided, single submitter. Criteria: Ambry Variant Classification Scheme 2023. Collection method: clinical testing. Allele origin: germline.
Comment: The p.R299S variant (also known as c.897G>T) is located in coding exon 9 of the FANCC gene. The arginine at codon 299 is replaced by serine, an amino acid with dissimilar properties. This change occurs in the first base pair of coding exon 9. This amino acid position is highly conserved in available vertebrate species. In addition, this alteration is predicted to be deleterious by in silico analysis. Based on the available evidence, the clinical significance of this alteration remains unclear.

GeneDx
Classification: Uncertain significance. Last evaluated: 2022-10-21. Review status: criteria provided, single submitter. Criteria: GeneDx Variant Classification Process June 2021. Collection method: clinical testing. Allele origin: germline. Affected: yes.
Comment: Not observed at significant frequency in large population cohorts (gnomAD); In silico analysis supports that this missense variant has a deleterious effect on protein structure/function; Has not been previously published as pathogenic or benign to our knowledge; In silico analysis is inconclusive as to whether the variant alters gene splicing. In the absence of RNA/functional studies, the actual effect of this sequence change is unknown.; This variant is associated with the following publications: (PMID: 34121507, Gordon2000[Book])

Literature cited by the submitters: PubMed 36969007 (cited by Quest Diagnostics Nichols Institute San Juan Capistrano).

NM_000136.3(FANCC):c.897G>T (p.Arg299Ser)

Genes: AOPEP (aminopeptidase O (putative); plus strand), FANCC (FA complementation group C; minus strand). Cytogenetic location: 9q22.32.
Variant type: single nucleotide variant.
Coding change: c.897G>T on transcript NM_000136.3 (MANE Select); coding-DNA position 897, G replaced by T.
Protein change: p.Arg299Ser; replaces arginine 299 with serine.
Molecular consequence: missense variant.
Genome position (GRCh38, 1-based): chr9:95,125,185, C>A on the plus strand (G>T on the coding strand, the complement: FANCC is on the minus strand). VCF-style: chr9-95125185-C-A. GRCh37 (hg19) VCF-style: chr9-97887467-C-A.
Other names: c.897G>T, p.Arg299Ser (NM_001243743.2, NM_001243744.2); short protein forms R299S.
Identifiers: ClinVar variation 644730 (VCV000644730.14), dbSNP rs759083348, ClinGen allele CA5137583.